The following is an entry in ClinVar:

ClinVar aggregate classification (germline): Likely benign (1 of 4 stars; one submission).

Submission:

CeGaT Center for Human Genetics Tuebingen
Classification: Likely benign. Last evaluated: 2023-01-01. Review status: criteria provided, single submitter. Criteria: CeGaT Center For Human Genetics Tuebingen Variant Classification Criteria Version 2. Collection method: clinical testing. Allele origin: germline. Affected: yes. Observed: 1 variant allele.
Comment: BICRA: PM2:Supporting, BP4, BP7

NM_001394372.1(BICRA):c.4050A>C (p.Pro1350=)

Gene: BICRA (BRD4 interacting chromatin remodeling complex associated protein; plus strand). Cytogenetic location: 19q13.33.
Variant type: single nucleotide variant.
Coding change: c.4050A>C on transcript NM_001394372.1 (MANE Select); coding-DNA position 4050, A replaced by C.
Protein change: p.Pro1350=; no amino-acid change (proline 1350 retained).
Molecular consequence: synonymous variant.
Genome position (GRCh38, 1-based): chr19:47,701,782, A>C. VCF-style: chr19-47701782-A-C. GRCh37 (hg19) VCF-style: chr19-48205039-A-C.
Other names: c.4050A>C, p.Pro1350= (NM_015711.3).
Identifiers: ClinVar variation 2650186 (VCV002650186.24), dbSNP rs1443887964, ClinGen allele CA508260235.